The following is an entry in ClinVar:

ClinVar aggregate classification (germline): Uncertain significance (1 of 4 stars; one submission).

Submission:

GeneDx
Classification: Uncertain significance. Last evaluated: 2026-09-23. Review status: criteria provided, single submitter. Criteria: GeneDx Variant Classification Process June 2021. Collection method: clinical testing. Allele origin: germline.
Comment: Not observed at significant frequency in large population cohorts (gnomAD); In silico analysis supports that this missense variant has a deleterious effect on protein structure/function; Has not been previously published as pathogenic or benign to our knowledge

NM_001005273.3(CHD3):c.1133A>G (p.His378Arg)

Genes: CHD3 (chromodomain helicase DNA binding protein 3; plus strand), LOC126862484 (CDK7 strongly-dependent group 2 enhancer GRCh37_chr17:7797066-7798265; plus strand). Cytogenetic location: 17p13.1.
Variant type: single nucleotide variant.
Coding change: c.1133A>G on transcript NM_001005273.3 (MANE Select); coding-DNA position 1133, A replaced by G.
Protein change: p.His378Arg; replaces histidine 378 with arginine.
Molecular consequence: missense variant.
Genome position (GRCh38, 1-based): chr17:7,894,472, A>G. VCF-style: chr17-7894472-A-G. GRCh37 (hg19) VCF-style: chr17-7797790-A-G.
Other names: c.1310A>G, p.His437Arg (NM_001005271.3); c.1133A>G, p.His378Arg (NM_005852.4); short protein forms H378R, H437R.
Identifiers: ClinVar variation 3730956 (VCV003730956.2).
Genomic context (GRCh38, chr17:7,894,472, plus strand): 5'-CAGTCCTGGGCTGTCCTGCAGTGGCCGGGGAGGAGGAGGTTGATGGCTACGAGACGGATC[A>G]CCAGGATTACTGTGAGGTGTGCCAGCAGGGTGGGGAAATTATTCTGTGTGACACCTGCCC-3'
Protein context (NP_001005273.1, residues 368-388): EEEVDGYETD[His378Arg]QDYCEVCQQG